The following is an entry in ClinVar:

NM_000540.3(RYR1):c.14279A>G (p.Asn4760Ser)

Gene: RYR1 (ryanodine receptor 1; plus strand). Cytogenetic location: 19q13.2.
Variant type: single nucleotide variant.
Coding change: c.14279A>G on transcript NM_000540.3 (MANE Select); coding-DNA position 14279, A replaced by G.
Protein change: p.Asn4760Ser; replaces asparagine 4760 with serine.
Molecular consequence: missense variant.
Genome position (GRCh38, 1-based): chr19:38,578,024, A>G. VCF-style: chr19-38578024-A-G. GRCh37 (hg19) VCF-style: chr19-39068664-A-G.
Other names: c.14264A>G, p.Asn4755Ser (NM_001042723.2); short protein forms N4760S, N4755S.
Identifiers: ClinVar variation 1444587 (VCV001444587.9), dbSNP rs980411516, ClinGen allele CA308120175.

ClinVar aggregate classification (germline): Uncertain significance. Review status: criteria provided, multiple submitters, no conflicts (2 of 4 stars). 3 submissions from 3 submitters: Uncertain significance (3). Last evaluated 2025-02-06.

Conditions:
Malignant hyperthermia, susceptibility to, 1 (MHS1). Also called: RYR1-Related Malignant Hyperthermia Susceptibility; Malignant hyperthermia suceptibility 1; Anesthesia related hyperthermia; Malignant hyperpyrexia; Fulminating hyperpyrexia; Pharmacogenic myopathy. Identifiers: Orphanet 423, MedGen C2930980, MONDO:0007783, OMIM 145600.
RYR1-related disorder. Also called: RYR1-related condition; RYR1-related disorders. Identifiers: MedGen CN239331.

Allele frequency attached by ClinVar (database versions not stated): gnomAD exomes below 0.00001; gnomAD 0.00001; TOPMed 0.00001.
gnomAD v4.1: 6 of 1,613,850 alleles (0.00037%); highest among the groups gnomAD compares: Non-Finnish European, 0.00051%; no homozygotes.

Submissions (3):

Labcorp Genetics (formerly Invitae), Labcorp
Classification: Uncertain significance for RYR1-related disorder. Last evaluated: 2025-02-06. Review status: criteria provided, single submitter. Criteria: Invitae Variant Classification Sherloc (09022015). Collection method: clinical testing. Allele origin: germline.
Comment: This sequence change replaces asparagine, which is neutral and polar, with serine, which is neutral and polar, at codon 4760 of the RYR1 protein (p.Asn4760Ser). This variant is not present in population databases (gnomAD no frequency). This variant has not been reported in the literature in individuals affected with RYR1-related conditions. ClinVar contains an entry for this variant (Variation ID: 1444587). Invitae Evidence Modeling of protein sequence and biophysical properties (such as structural, functional, and spatial information, amino acid conservation, physicochemical variation, residue mobility, and thermodynamic stability) indicates that this missense variant is not expected to disrupt RYR1 protein function with a negative predictive value of 95%. In summary, the available evidence is currently insufficient to determine the role of this variant in disease. Therefore, it has been classified as a Variant of Uncertain Significance.

Color Diagnostics, LLC DBA Color Health
Classification: Uncertain significance for Malignant hyperthermia, susceptibility to, 1. Last evaluated: 2024-03-07. Review status: criteria provided, single submitter. Criteria: ACMG Guidelines, 2015. Collection method: clinical testing. Allele origin: germline.
Comment: This missense variant replaces asparagine with serine at codon 4760 of the RYR1 protein. Computational prediction suggests that this variant may not impact protein structure and function. To our knowledge, functional studies have not been reported for this variant. This variant has not been reported in individuals affected with RYR1-related disorders in the literature. This variant has not been identified in the general population by the Genome Aggregation Database (gnomAD). The available evidence is insufficient to determine the role of this variant in disease conclusively. Therefore, this variant is classified as a Variant of Uncertain Significance.

All of Us Research Program, National Institutes of Health
Classification: Uncertain significance for Malignant hyperthermia, susceptibility to, 1. Last evaluated: 2023-08-25. Review status: criteria provided, single submitter. Criteria: ACMG Guidelines, 2015. Collection method: clinical testing. Allele origin: germline. Inheritance: Autosomal dominant inheritance. Observed: 6 variant alleles, 6 heterozygotes.
Comment: This missense variant replaces asparagine with serine at codon 4760 of the RYR1 protein. Computational prediction suggests that this variant may not impact protein structure and function (internally defined REVEL score threshold <= 0.5, PMID: 27666373). To our knowledge, functional studies have not been reported for this variant. This variant has not been reported in individuals affected with RYR1-related disorders in the literature. This variant has not been identified in the general population by the Genome Aggregation Database (gnomAD). The available evidence is insufficient to determine the role of this variant in disease conclusively. Therefore, this variant is classified as a Variant of Uncertain Significance.

This study involves interpretation of variants in research participants for the purpose of population health screening. Participant phenotype was not available at the time of variant classification. Additional details can be found in publication PMID: 35346344, PMCID: PMC8962531